The following is an entry in ClinVar:

NM_005960.2(MUC3A):c.7824G>A (p.Thr2608=)

Gene: MUC3A (mucin 3A, cell surface associated; plus strand). Cytogenetic location: 7q22.1.
Variant type: single nucleotide variant.
Coding change: c.7824G>A on transcript NM_005960.2 (MANE Select); coding-DNA position 7824, G replaced by A.
Protein change: p.Thr2608=; no amino-acid change (threonine 2608 retained).
Molecular consequence: synonymous variant.
Genome position (GRCh38, 1-based): chr7:100,959,603, G>A. VCF-style: chr7-100959603-G-A. GRCh37 (hg19) VCF-style: chr7-100551732-G-A.
Identifiers: ClinVar variation 2657791 (VCV002657791.24), dbSNP rs751351544, ClinGen allele CA4397690.
Genomic context (GRCh38, chr7:100,959,603, plus strand): 5'-TGGGACCCAAACATCTCCTGCACCTACTACTGTCACCTTTGGAAGTACGGATTCCTCCAC[G>A]TCCACTCTTCATACTCTTACTCCATCAACAGCCTTGAGCACGATCGTGTCAACATCACAG-3'
Protein context (NP_005951.1, residues 2598-2618): TVTFGSTDSS[Thr2608=]STLHTLTPST

ClinVar aggregate classification (germline): Likely benign (1 of 4 stars; one submission).

Allele frequency attached by ClinVar (database versions not stated): 1000 Genomes Project 30x 0.00047; gnomAD 0.00054.
gnomAD v4.1: 456 of 1,595,844 alleles (0.029%); highest among the groups gnomAD compares: Non-Finnish European, 0.035%; no homozygotes.

Submission:

CeGaT Center for Human Genetics Tuebingen
Classification: Likely benign. Last evaluated: 2023-02-01. Review status: criteria provided, single submitter. Criteria: CeGaT Center For Human Genetics Tuebingen Variant Classification Criteria Version 2. Collection method: clinical testing. Allele origin: germline. Affected: yes. Observed: 1 variant allele.
Comment: MUC3A: BP4, BP7